The following is an entry in ClinVar:

ClinVar aggregate classification (germline): Uncertain significance. Review status: criteria provided, multiple submitters, no conflicts (2 of 4 stars). 3 submissions from 3 submitters: Uncertain significance (3). Last evaluated 2024-12-12.

Conditions:
Cardiovascular phenotype. Identifiers: MedGen CN230736.
Hereditary cancer-predisposing syndrome. Also called: Hereditary Cancer Syndrome; Hereditary neoplastic syndrome; Tumor predisposition; Neoplastic Syndromes, Hereditary. Identifiers: Orphanet 140162, MedGen C0027672, MeSH D009386, MONDO:0015356.
Neurofibromatosis, type 1 (NF1). Also called: VON RECKLINGHAUSEN DISEASE; NEUROFIBROMATOSIS, TYPE I, SOMATIC; Peripheral type neurofibromatosis; Neurofibromatosis, type I. Identifiers: Orphanet 636, MedGen C0027831, MONDO:0018975, OMIM 162200. Disease mechanism: loss of function.

Allele frequency attached by ClinVar (database versions not stated): ExAC 0.00001; gnomAD exomes below 0.00001.
gnomAD v4.1: 3 of 1,613,250 alleles (0.00019%); highest among the groups gnomAD compares: Non-Finnish European, 0.00025%; no homozygotes.

Submissions (3):

Labcorp Genetics (formerly Invitae), Labcorp
Classification: Uncertain significance for Neurofibromatosis, type 1. Last evaluated: 2024-12-12. Review status: criteria provided, single submitter. Criteria: Invitae Variant Classification Sherloc (09022015). Collection method: clinical testing. Allele origin: germline.
Comment: This sequence change replaces alanine, which is neutral and non-polar, with serine, which is neutral and polar, at codon 1565 of the NF1 protein (p.Ala1565Ser). This variant is present in population databases (rs767438491, gnomAD 0.0009%). This variant has not been reported in the literature in individuals affected with NF1-related conditions. ClinVar contains an entry for this variant (Variation ID: 457716). Invitae Evidence Modeling of protein sequence and biophysical properties (such as structural, functional, and spatial information, amino acid conservation, physicochemical variation, residue mobility, and thermodynamic stability) has been performed for this missense variant. However, the output from this modeling did not meet the statistical confidence thresholds required to predict the impact of this variant on NF1 protein function. In summary, the available evidence is currently insufficient to determine the role of this variant in disease. Therefore, it has been classified as a Variant of Uncertain Significance.

Ambry Genetics
Classification: Uncertain significance for Cardiovascular phenotype; Hereditary cancer-predisposing syndrome. Last evaluated: 2024-11-09. Review status: criteria provided, single submitter. Criteria: Ambry Variant Classification Scheme 2023. Collection method: clinical testing. Allele origin: germline.
Comment: The p.A1565S variant (also known as c.4693G>T), located in coding exon 35 of the NF1 gene, results from a G to T substitution at nucleotide position 4693. The alanine at codon 1565 is replaced by serine, an amino acid with similar properties. This amino acid position is highly conserved in available vertebrate species. In addition, the in silico prediction for this alteration is inconclusive. Since supporting evidence is limited at this time, the clinical significance of this alteration remains unclear.

Genome-Nilou Lab
Classification: Uncertain significance for Neurofibromatosis, type 1. Last evaluated: 2022-03-15. Review status: criteria provided, single submitter. Criteria: ACMG Guidelines, 2015. Collection method: clinical testing. Allele origin: germline. Affected: no.

NM_001042492.3(NF1):c.4756G>T (p.Ala1586Ser)

Gene: NF1 (neurofibromin 1; plus strand). Cytogenetic location: 17q11.2.
Variant type: single nucleotide variant.
Coding change: c.4756G>T on transcript NM_001042492.3 (MANE Select); coding-DNA position 4756, G replaced by T.
Protein change: p.Ala1586Ser; replaces alanine 1586 with serine.
Molecular consequence: missense variant.
Genome position (GRCh38, 1-based): chr17:31,265,260, G>T. VCF-style: chr17-31265260-G-T. GRCh37 (hg19) VCF-style: chr17-29592278-G-T.
Other names: c.4693G>T, p.Ala1565Ser (NM_000267.4); short protein forms A1586S, A1565S.
Identifiers: ClinVar variation 457716 (VCV000457716.13), dbSNP rs767438491, ClinGen allele CA8486472.